The following is an entry in ClinVar:

ClinVar aggregate classification (germline): Uncertain significance. Review status: criteria provided, multiple submitters, no conflicts (2 of 4 stars). 3 submissions from 3 submitters: Uncertain significance (2). 1 of the submissions does not count toward it. Last evaluated 2022-05-21.

Conditions:
Familial dysautonomia. Also called: HSAN III; FD. Identifiers: Orphanet 1764, MedGen C0013364, MONDO:0009131, OMIM 223900. Disease mechanism: loss of function.

Allele frequency attached by ClinVar (database versions not stated): ExAC 0.00001; gnomAD exomes 0.00001; TOPMed 0.00001; ESP Exome Variant Server 0.00008.

Submissions (3):

Labcorp Genetics (formerly Invitae), Labcorp
Classification: Uncertain significance. Last evaluated: 2022-05-21. Review status: criteria provided, single submitter. Criteria: Invitae Variant Classification Sherloc (09022015). Collection method: clinical testing. Allele origin: germline.
Comment: This sequence change replaces valine, which is neutral and non-polar, with leucine, which is neutral and non-polar, at codon 553 of the ELP1 protein (p.Val553Leu). This variant is present in population databases (rs376515761, gnomAD 0.0009%). This variant has not been reported in the literature in individuals affected with ELP1-related conditions. ClinVar contains an entry for this variant (Variation ID: 835947). Algorithms developed to predict the effect of missense changes on protein structure and function are either unavailable or do not agree on the potential impact of this missense change (SIFT: "Tolerated"; PolyPhen-2: "Possibly Damaging"; Align-GVGD: "Class C0"). In summary, the available evidence is currently insufficient to determine the role of this variant in disease. Therefore, it has been classified as a Variant of Uncertain Significance.

Ambry Genetics
Classification: Uncertain significance. Last evaluated: 2021-01-04. Review status: criteria provided, single submitter. Criteria: Ambry Variant Classification Scheme 2023. Collection method: clinical testing. Allele origin: germline.
Comment: The p.V553L variant (also known as c.1657G>T), located in coding exon 14 of the IKBKAP gene, results from a G to T substitution at nucleotide position 1657. The valine at codon 553 is replaced by leucine, an amino acid with highly similar properties. This amino acid position is well conserved in available vertebrate species. In addition, this alteration is predicted to be tolerated by in silico analysis. Since supporting evidence is limited at this time, the clinical significance of this alteration remains unclear.

Natera, Inc.
Classification: Uncertain significance for Familial dysautonomia. Last evaluated: 2021-01-29. Review status: no assertion criteria provided. Collection method: clinical testing. Allele origin: germline. Not counted in ClinVar's aggregate classification.

NM_003640.5(ELP1):c.1657G>T (p.Val553Leu)

Gene: ELP1 (elongator acetyltransferase complex subunit 1; minus strand). Cytogenetic location: 9q31.3.
Variant type: single nucleotide variant.
Coding change: c.1657G>T on transcript NM_003640.5 (MANE Select); coding-DNA position 1657, G replaced by T.
Protein change: p.Val553Leu; replaces valine 553 with leucine.
Molecular consequence: missense variant.
Genome position (GRCh38, 1-based): chr9:108,903,656, C>A on the plus strand (G>T on the coding strand, the complement: ELP1 is on the minus strand). VCF-style: chr9-108903656-C-A. GRCh37 (hg19) VCF-style: chr9-111665936-C-A.
Other names: c.1315G>T, p.Val439Leu (NM_001318360.2); c.610G>T, p.Val204Leu (NM_001330749.2); short protein forms V439L, V553L, V204L.
Identifiers: ClinVar variation 835947 (VCV000835947.9), dbSNP rs376515761, ClinGen allele CA5174934.